The following is an entry in ClinVar:

ClinVar aggregate classification (germline): Likely benign (1 of 4 stars; one submission).

Conditions:
SCLT1-related disorder. Also called: SCLT1-related condition.

gnomAD v4.1: 33 of 1,490,854 alleles (0.0022%); highest among the groups gnomAD compares: Non-Finnish European, 0.0029%; no homozygotes.

Submission:

PreventionGenetics, part of Exact Sciences
Classification: Likely benign for SCLT1-related condition. Last evaluated: 2025-01-08. Review status: criteria provided, single submitter. Criteria: ACMG Guidelines, 2015. Collection method: clinical testing. Allele origin: germline.
Comment: This variant is classified as likely benign based on ACMG/AMP sequence variant interpretation guidelines (Richards et al. 2015 PMID: 25741868, with internal and published modifications).

NM_144643.4(SCLT1):c.777+10A>G

Gene: SCLT1 (sodium channel and clathrin linker 1; minus strand). Cytogenetic location: 4q28.2.
Variant type: single nucleotide variant.
Coding change: c.777+10A>G on transcript NM_144643.4 (MANE Select); 10 bases into the intron after coding-DNA position 777, A replaced by G.
Molecular consequence: intron variant.
Genome position (GRCh38, 1-based): chr4:128,970,368, T>C on the plus strand (A>G on the coding strand, the complement: SCLT1 is on the minus strand). VCF-style: chr4-128970368-T-C. GRCh37 (hg19) VCF-style: chr4-129891523-T-C.
Other names: c.777+10A>G (NM_001410807.1).
Identifiers: ClinVar variation 4997209 (VCV004997209.1).